The following is an entry in ClinVar:

ClinVar aggregate classification (germline): Benign/Likely benign. Review status: criteria provided, multiple submitters, no conflicts (2 of 4 stars). 5 submissions from 5 submitters: Benign (1); Likely benign (4). Last evaluated 2025-12-29.

Conditions:
Lynch syndrome 5 (LYNCH5). Also called: Colorectal cancer, hereditary nonpolyposis, type 5; Hereditary non-polyposis colorectal cancer, type 5. Identifiers: Orphanet 144, MedGen C1833477, MONDO:0013710, OMIM 614350. Disease mechanism: loss of function.
Hereditary nonpolyposis colorectal neoplasms. Identifiers: MedGen C0009405, MeSH D003123.
Hereditary cancer-predisposing syndrome. Also called: Tumor predisposition; Neoplastic Syndromes, Hereditary; Hereditary neoplastic syndrome; Hereditary Cancer Syndrome. Identifiers: Orphanet 140162, MedGen C0027672, MeSH D009386, MONDO:0015356.
Lynch syndrome. Identifiers: Orphanet 144, MedGen C4552100, MONDO:0005835. Disease mechanism: loss of function.

Allele frequency attached by ClinVar (database versions not stated): TOPMed below 0.00001.

Submissions (5):

Center for Genomic Medicine, Rigshospitalet, Copenhagen University Hospital
Classification: Likely benign. Last evaluated: 2025-12-29. Review status: criteria provided, single submitter. Criteria: ACMG Guidelines, 2015. Collection method: clinical testing. Allele origin: germline.

Labcorp Genetics (formerly Invitae), Labcorp
Classification: Likely benign for Hereditary nonpolyposis colorectal neoplasms. Last evaluated: 2025-09-13. Review status: criteria provided, single submitter. Criteria: Invitae Variant Classification Sherloc (09022015). Collection method: clinical testing. Allele origin: germline.

Myriad Genetics, Inc.
Classification: Benign for Lynch syndrome 5. Last evaluated: 2025-01-03. Review status: criteria provided, single submitter. Criteria: Myriad Autosomal Dominant, Autosomal Recessive and X-Linked Classification Criteria (2023). Collection method: clinical testing. Allele origin: unknown.
Comment: This variant is considered benign. This variant is a silent/synonymous amino acid change and it is not expected to impact splicing.

All of Us Research Program, National Institutes of Health
Classification: Likely benign for Lynch syndrome. Last evaluated: 2023-06-26. Review status: criteria provided, single submitter. Criteria: ACMG Guidelines, 2015. Collection method: clinical testing. Allele origin: germline. Inheritance: Autosomal dominant inheritance. Observed: 1 variant allele, 1 heterozygote.
Comment: This study involves interpretation of variants in research participants for the purpose of population health screening. Participant phenotype was not available at the time of variant classification. Additional details can be found in publication PMID: 35346344, PMCID: PMC8962531

Ambry Genetics
Classification: Likely benign for Hereditary cancer-predisposing syndrome. Last evaluated: 2022-06-16. Review status: criteria provided, single submitter. Criteria: Ambry Variant Classification Scheme 2023. Collection method: clinical testing. Allele origin: germline.

NM_000179.3(MSH6):c.3204A>T (p.Arg1068=)

Gene: MSH6 (mutS homolog 6; plus strand). Cytogenetic location: 2p16.3.
Variant type: single nucleotide variant.
Coding change: c.3204A>T on transcript NM_000179.3 (MANE Select); coding-DNA position 3204, A replaced by T.
Protein change: p.Arg1068=; no amino-acid change (arginine 1068 retained).
Molecular consequence: synonymous variant.
Genome position (GRCh38, 1-based): chr2:47,803,451, A>T. VCF-style: chr2-47803451-A-T. GRCh37 (hg19) VCF-style: chr2-48030590-A-T.
Other names: c.2814A>T, p.Arg938= (NM_001281492.2); c.2298A>T, p.Arg766= (NM_001281493.2, NM_001281494.2).
Identifiers: ClinVar variation 416189 (VCV000416189.16), dbSNP rs1060504764, ClinGen allele CA16611033.
Genomic context (GRCh38, chr2:47,803,451, plus strand): 5'-AGCCTCACTTTTACCCTCTCTTTTAACAGATGTTTTACTGTGCCTGGCTAACTATAGTCG[A>T]GGGGGTGATGGTCCTATGTGTCGCCCAGTAATTCTGTTGCCGGAAGATACCCCCCCCTTC-3'
Protein context (NP_000170.1, residues 1058-1078): DVLLCLANYS[Arg1068=]GGDGPMCRPV